The following is an entry in ClinVar:

NM_012062.5(DNM1L):c.1677A>C (p.Leu559Phe)

Gene: DNM1L (dynamin 1 like; plus strand). Cytogenetic location: 12p11.21.
Variant type: single nucleotide variant.
Coding change: c.1677A>C on transcript NM_012062.5 (MANE Select); coding-DNA position 1677, A replaced by C.
Protein change: p.Leu559Phe; replaces leucine 559 with phenylalanine.
Molecular consequence: missense variant. On other transcripts: intron variant (4).
Genome position (GRCh38, 1-based): chr12:32,738,266, A>C. VCF-style: chr12-32738266-A-C. GRCh37 (hg19) VCF-style: chr12-32891200-A-C.
Other names: c.1716A>C, p.Leu572Phe (NM_001278464.2); c.1068A>C, p.Leu356Phe (NM_001278466.2); c.1599A>C, p.Leu533Phe (NM_012063.4); c.1713+324A>C (NM_001278465.2); c.1635+1105A>C (NM_001330380.2); c.1674+324A>C (NM_001278463.2); c.1596+1105A>C (NM_005690.5); short protein forms L356F, L533F, L559F, L572F.
Identifiers: ClinVar variation 4856333 (VCV004856333.1).
Genomic context (GRCh38, chr12:32,738,266, plus strand): 5'-CCCATTGGTATTTAAATTTTGCTTGTTAAATTGCATGTTTTAACATATCTTTTAACAGTT[A>C]ATTCAGGACAGCAGAAGAGAAACTAAAAATGTGAGTCTCTTGCTTCAGAATGGAAATGTT-3'
Protein context (NP_036192.2, residues 549-569): PAASAEADGK[Leu559Phe]IQDSRRETKN

ClinVar aggregate classification (germline): Uncertain significance (1 of 4 stars; one submission).

Conditions:
Encephalopathy, lethal, due to defective mitochondrial peroxisomal fission 1. Also called: Lethal Encephalopathy Due To Defective Mitochondrial Peroxisomal Fission. Identifiers: Orphanet 330050, MedGen C3280660, MONDO:0013726, OMIM 614388.

Submission:

3billion
Classification: Uncertain significance for Encephalopathy, lethal, due to defective mitochondrial peroxisomal fission 1. Last evaluated: 2025-07-24. Review status: criteria provided, single submitter. Criteria: ACMG Guidelines, 2015. Collection method: clinical testing. Allele origin: germline. Affected: yes.
Comment: The variant is not observed in the gnomAD v4.1.0 dataset. Predicted Consequence/Location: Missense variant. Missense changes are a common disease-causing mechanism. In silico tools predict the variant to alter splicing and produce an abnormal transcript [SpliceAI: 0.23 (>=0.2, moderate evidence for spliceogenicity)]. Therefore, this variant is classified as VUS according to the recommendation of ACMG/AMP guideline.